The following is an entry in ClinVar:

ClinVar aggregate classification (germline): Likely benign. Review status: criteria provided, multiple submitters, no conflicts (2 of 4 stars). 2 submissions from 2 submitters: Likely benign (2). Last evaluated 2026-08-01.

Allele frequency attached by ClinVar (database versions not stated): ExAC 0.00023; ESP Exome Variant Server 0.00023; gnomAD exomes 0.00026 and 0.00035; gnomAD 0.00027 and 0.00030; TOPMed 0.00033.
gnomAD v4.1: 554 of 1,610,326 alleles (0.034%); highest among the groups gnomAD compares: Admixed American, 0.049%; no homozygotes.

Submissions (2):

CeGaT Center for Human Genetics Tuebingen
Classification: Likely benign. Last evaluated: 2026-08-01. Review status: criteria provided, single submitter. Criteria: CeGaT Center For Human Genetics Tuebingen Variant Classification Criteria Version 2. Collection method: clinical testing. Allele origin: germline. Affected: yes. Observed: 3 variant alleles.
Comment: PPP2R1A: BP4, BP7

Labcorp Genetics (formerly Invitae), Labcorp
Classification: Likely benign. Last evaluated: 2025-11-24. Review status: criteria provided, single submitter. Criteria: Invitae Variant Classification Sherloc (09022015). Collection method: clinical testing. Allele origin: germline.

NM_014225.6(PPP2R1A):c.693C>T (p.Ile231=)

Gene: PPP2R1A (protein phosphatase 2 scaffold subunit Aalpha; plus strand). Cytogenetic location: 19q13.41.
Variant type: single nucleotide variant.
Coding change: c.693C>T on transcript NM_014225.6 (MANE Select); coding-DNA position 693, C replaced by T.
Protein change: p.Ile231=; no amino-acid change (isoleucine 231 retained).
Molecular consequence: synonymous variant. On other transcripts: non-coding transcript variant (1).
Genome position (GRCh38, 1-based): chr19:52,212,996, C>T. VCF-style: chr19-52212996-C-T. GRCh37 (hg19) VCF-style: chr19-52716249-C-T.
Other names: c.156C>T, p.Ile52= (NM_001363656.2).
Identifiers: ClinVar variation 737797 (VCV000737797.20), dbSNP rs149134744, ClinGen allele CA9621407.